The following is an entry in ClinVar:

ClinVar aggregate classification (germline): Uncertain significance (1 of 4 stars; one submission).

Submission:

CeGaT Center for Human Genetics Tuebingen
Classification: Uncertain significance. Last evaluated: 2022-04-01. Review status: criteria provided, single submitter. Criteria: CeGaT Center For Human Genetics Tuebingen Variant Classification Criteria Version 2. Collection method: clinical testing. Allele origin: germline. Affected: yes. Observed: 1 variant allele.
Comment: SOBP: PM2

NM_018013.4(SOBP):c.47G>A (p.Ser16Asn)

Gene: SOBP (sine oculis binding protein homolog; plus strand). Cytogenetic location: 6q21.
Variant type: single nucleotide variant.
Coding change: c.47G>A on transcript NM_018013.4 (MANE Select); coding-DNA position 47, G replaced by A.
Protein change: p.Ser16Asn; replaces serine 16 with asparagine.
Molecular consequence: missense variant.
Genome position (GRCh38, 1-based): chr6:107,490,663, G>A. VCF-style: chr6-107490663-G-A. GRCh37 (hg19) VCF-style: chr6-107811867-G-A.
Other names: short protein forms S16N.
Identifiers: ClinVar variation 2656816 (VCV002656816.24), dbSNP rs2482731816, ClinGen allele CA365327022.